The following is an entry in ClinVar:

NM_198586.3(NHLRC1):c.*276G>C

Gene: NHLRC1 (NHL repeat containing E3 ubiquitin protein ligase 1; minus strand). Cytogenetic location: 6p22.3.
Variant type: single nucleotide variant.
Coding change: c.*276G>C on transcript NM_198586.3 (MANE Select); 276 bases downstream of the stop codon, G replaced by C.
Molecular consequence: 3 prime UTR variant.
Genome position (GRCh38, 1-based): chr6:18,121,143, C>G on the plus strand (G>C on the coding strand, the complement: NHLRC1 is on the minus strand). VCF-style: chr6-18121143-C-G. GRCh37 (hg19) VCF-style: chr6-18121374-C-G.
Identifiers: ClinVar variation 356073 (VCV000356073.9), dbSNP rs11966748, ClinGen allele CA10626310.

ClinVar aggregate classification (germline): Benign/Likely benign. Review status: criteria provided, multiple submitters, no conflicts (2 of 4 stars). 3 submissions from 3 submitters: Benign (1); Likely benign (2). Last evaluated 2018-07-07.

Conditions:
Lafora disease. Also called: Epilepsy progressive myoclonic 2. Identifiers: Orphanet 501, MedGen C0751783, MONDO:0009697.

Allele frequency attached by ClinVar (database versions not stated): gnomAD exomes 0.00173; gnomAD 0.01360 and 0.01453; 1000 Genomes Project 0.01498; TOPMed 0.01590; 1000 Genomes Project 30x 0.01796.
gnomAD v4.1: 2,608 of 455,466 alleles (0.57%); highest among the groups gnomAD compares: African/African-American, 4.7%; 51 homozygotes.

Submissions (3):

GeneDx
Classification: Likely benign. Last evaluated: 2018-07-07. Review status: criteria provided, single submitter. Criteria: GeneDx Variant Classification Process June 2021. Collection method: clinical testing. Allele origin: germline. Affected: yes.

Illumina Laboratory Services, Illumina
Classification: Benign for Myoclonic epilepsy of Lafora 1. Last evaluated: 2018-01-13. Review status: criteria provided, single submitter. Criteria: ICSL Variant Classification Criteria 13 December 2019. Collection method: clinical testing. Allele origin: germline.
Comment: This variant was observed in the ICSL laboratory as part of a predisposition screen in an ostensibly healthy population. It had not been previously curated by ICSL or reported in the Human Gene Mutation Database (HGMD: prior to June 1st, 2018), and was therefore a candidate for classification through an automated scoring system. Utilizing variant allele frequency, disease prevalence and penetrance estimates, and inheritance mode, an automated score was calculated to assess if this variant is too frequent to cause the disease. Based on the score and internal cut-off values, a variant classified as benign is not then subjected to further curation. The score for this variant resulted in a classification of benign for this disease.

Breakthrough Genomics
Classification: Likely benign. Review status: criteria provided, single submitter. Criteria: ACMG Guidelines, 2015. Collection method: not provided. Allele origin: germline. Inheritance: Autosomal recessive inheritance. Affected: yes.